The following is an entry in ClinVar:

ClinVar aggregate classification (germline): Uncertain significance (1 of 4 stars; one submission).

Conditions:
Hereditary cancer-predisposing syndrome. Also called: Neoplastic Syndromes, Hereditary; Tumor predisposition; Hereditary Cancer Syndrome; Hereditary neoplastic syndrome. Identifiers: Orphanet 140162, MedGen C0027672, MeSH D009386, MONDO:0015356.

Allele frequency attached by ClinVar (database versions not stated): gnomAD exomes below 0.00001.
gnomAD v4.1: 2 of 1,611,942 alleles (0.00012%); highest among the groups gnomAD compares: Non-Finnish European, 0.00017%; no homozygotes.

Submission:

Ambry Genetics
Classification: Uncertain significance for Hereditary cancer-predisposing syndrome. Last evaluated: 2018-01-18. Review status: criteria provided, single submitter. Criteria: Ambry Variant Classification Scheme 2023. Collection method: clinical testing. Allele origin: germline.
Comment: The p.L546I variant (also known as c.1636C>A), located in coding exon 12 of the SDHA gene, results from a C to A substitution at nucleotide position 1636. The leucine at codon 546 is replaced by isoleucine, an amino acid with highly similar properties. This amino acid position is well conserved in available vertebrate species. In addition, this alteration is predicted to be tolerated by in silico analysis. Since supporting evidence is limited at this time, the clinical significance of this alteration remains unclear.

NM_004168.4(SDHA):c.1636C>A (p.Leu546Ile)

Gene: SDHA (succinate dehydrogenase complex flavoprotein subunit A; plus strand). Cytogenetic location: 5p15.33.
Variant type: single nucleotide variant.
Coding change: c.1636C>A on transcript NM_004168.4 (MANE Select); coding-DNA position 1636, C replaced by A.
Protein change: p.Leu546Ile; replaces leucine 546 with isoleucine.
Molecular consequence: missense variant. On other transcripts: intron variant (1).
Genome position (GRCh38, 1-based): chr5:251,076, C>A. VCF-style: chr5-251076-C-A. GRCh37 (hg19) VCF-style: chr5-251191-C-A.
Other names: c.1492C>A, p.Leu498Ile (NM_001294332.2); c.1552-3317C>A (NM_001330758.2); short protein forms L498I, L546I.
Identifiers: ClinVar variation 819654 (VCV000819654.4), dbSNP rs1579438083, ClinGen allele CA358998763.